The following is an entry in ClinVar:

NM_012281.3(KCND2):c.1517T>G (p.Val506Gly)

Gene: KCND2 (potassium voltage-gated channel subfamily D member 2; plus strand). Cytogenetic location: 7q31.31.
Variant type: single nucleotide variant.
Coding change: c.1517T>G on transcript NM_012281.3 (MANE Select); coding-DNA position 1517, T replaced by G.
Protein change: p.Val506Gly; replaces valine 506 with glycine.
Molecular consequence: missense variant.
Genome position (GRCh38, 1-based): chr7:120,745,829, T>G. VCF-style: chr7-120745829-T-G. GRCh37 (hg19) VCF-style: chr7-120385883-T-G.
Other names: short protein forms V506G.
Identifiers: ClinVar variation 1432177 (VCV001432177.9), dbSNP rs1792998718, ClinGen allele CA369135417.

ClinVar aggregate classification (germline): Uncertain significance (1 of 4 stars; one submission).

Conditions:
Early Myoclonic Encephalopathy. Identifiers: MedGen C0270855.

Allele frequency attached by ClinVar (database versions not stated): TOPMed below 0.00001.

Submission:

Labcorp Genetics (formerly Invitae), Labcorp
Classification: Uncertain significance for Early Myoclonic Encephalopathy. Last evaluated: 2023-10-22. Review status: criteria provided, single submitter. Criteria: Invitae Variant Classification Sherloc (09022015). Collection method: clinical testing. Allele origin: germline.
Comment: This sequence change replaces valine, which is neutral and non-polar, with glycine, which is neutral and non-polar, at codon 506 of the KCND2 protein (p.Val506Gly). This variant is not present in population databases (gnomAD no frequency). This missense change has been observed in individual(s) with KCND2-related conditions (Invitae). ClinVar contains an entry for this variant (Variation ID: 1432177). Advanced modeling of protein sequence and biophysical properties (such as structural, functional, and spatial information, amino acid conservation, physicochemical variation, residue mobility, and thermodynamic stability) performed at Invitae indicates that this missense variant is not expected to disrupt KCND2 protein function. In summary, the available evidence is currently insufficient to determine the role of this variant in disease. Therefore, it has been classified as a Variant of Uncertain Significance.